The following is an entry in ClinVar:

NM_000256.3(MYBPC3):c.1174del (p.Ala392fs)

Gene: MYBPC3 (myosin binding protein C3; minus strand). Cytogenetic location: 11p11.2.
Variant type: Deletion.
Coding change: c.1174del on transcript NM_000256.3 (MANE Select); coding-DNA position 1174, one base deleted (G; older notation c.1174delG).
Protein change: p.Ala392fs; shifts the reading frame from alanine 392.
Molecular consequence: frameshift variant.
Genome position (GRCh38, 1-based): chr11:47,343,541, C deleted on the plus strand (G on the coding strand, the reverse complement: MYBPC3 is on the minus strand). VCF-style (leftmost placement, unchanged base first): chr11-47343540-GC-G. GRCh37 (hg19) VCF-style: chr11-47365091-GC-G.
Other names: c.1174del, p.Ala392fs (LRG_386t1); c.1174delG (NM_000256.3); short protein forms A392fs.
Identifiers: ClinVar variation 568945 (VCV000568945.9), dbSNP rs1565628486, ClinGen allele CA891842478.
Genomic context (GRCh38, chr11:47,343,540, plus strand): 5'-CCCAGGCTGCACCTGCCGCTCATCTGGATCTCCTGGCCATTCTTGAGCCATTTGACCTCA[GC>G]GTCATGGTCAGCCAGTTCCACGGTCAGCCGGATCTTGTGGCCTTTGCTCACCTGGTAGGC-3'

ClinVar aggregate classification (germline): Pathogenic. Review status: criteria provided, multiple submitters, no conflicts (2 of 4 stars). 2 submissions from 2 submitters: Pathogenic (2). Last evaluated 2023-07-12.

Conditions:
Hypertrophic cardiomyopathy. Also called: HYPERTROPHIC MYOCARDIOPATHY. Identifiers: Orphanet 217569, MedGen C0007194, MeSH D002312, MONDO:0005045, HP:0001639.

Submissions (2):

GeneDx
Classification: Pathogenic. Last evaluated: 2023-07-12. Review status: criteria provided, single submitter. Criteria: GeneDx Variant Classification Process June 2021. Collection method: clinical testing. Allele origin: germline. Affected: yes.
Comment: Frameshift variant predicted to result in protein truncation or nonsense mediated decay in a gene for which loss of function is a known mechanism of disease; Not observed at significant frequency in large population cohorts (gnomAD); This variant is associated with the following publications: (PMID: 27600940, 35208637, 18533079)

Labcorp Genetics (formerly Invitae), Labcorp
Classification: Pathogenic for Hypertrophic cardiomyopathy. Last evaluated: 2022-07-25. Review status: criteria provided, single submitter. Criteria: Invitae Variant Classification Sherloc (09022015). Collection method: clinical testing. Allele origin: germline.
Comment: For these reasons, this variant has been classified as Pathogenic. ClinVar contains an entry for this variant (Variation ID: 568945). This variant is also known as delG, A392fs. This premature translational stop signal has been observed in individual(s) with hypertrophic cardiomyopathy (PMID: 18533079, 27600940). This variant is not present in population databases (gnomAD no frequency). This sequence change creates a premature translational stop signal (p.Ala392Leufs*14) in the MYBPC3 gene. It is expected to result in an absent or disrupted protein product. Loss-of-function variants in MYBPC3 are known to be pathogenic (PMID: 19574547).

Literature cited by the submitters: PubMed 18533079 (cited by Labcorp Genetics (formerly Invitae), Labcorp); PubMed 27600940 (cited by Labcorp Genetics (formerly Invitae), Labcorp); PubMed 19574547 (cited by Labcorp Genetics (formerly Invitae), Labcorp).